The following is an entry in ClinVar:

ClinVar aggregate classification (germline): Uncertain significance (1 of 4 stars; one submission).

Conditions:
Autosomal dominant epilepsy with auditory features. Identifiers: Orphanet 101046, MedGen C1838062, MONDO:0010898.

Submission:

Labcorp Genetics (formerly Invitae), Labcorp
Classification: Uncertain significance for Autosomal dominant epilepsy with auditory features. Last evaluated: 2022-03-02. Review status: criteria provided, single submitter. Criteria: Invitae Variant Classification Sherloc (09022015). Collection method: clinical testing. Allele origin: germline.
Comment: In summary, the available evidence is currently insufficient to determine the role of this variant in disease. Therefore, it has been classified as a Variant of Uncertain Significance. Algorithms developed to predict the effect of missense changes on protein structure and function are either unavailable or do not agree on the potential impact of this missense change (SIFT: "Deleterious"; PolyPhen-2: "Probably Damaging"; Align-GVGD: "Class C15"). This variant has not been reported in the literature in individuals affected with LGI1-related conditions. This variant is not present in population databases (gnomAD no frequency). This sequence change replaces serine, which is neutral and polar, with isoleucine, which is neutral and non-polar, at codon 351 of the LGI1 protein (p.Ser351Ile).

NM_005097.4(LGI1):c.1052G>T (p.Ser351Ile)

Gene: LGI1 (leucine rich glioma inactivated 1; plus strand). Cytogenetic location: 10q23.33.
Variant type: single nucleotide variant.
Coding change: c.1052G>T on transcript NM_005097.4 (MANE Select); coding-DNA position 1052, G replaced by T.
Protein change: p.Ser351Ile; replaces serine 351 with isoleucine.
Molecular consequence: missense variant. On other transcripts: non-coding transcript variant (1), intron variant (1).
Genome position (GRCh38, 1-based): chr10:93,797,181, G>T. VCF-style: chr10-93797181-G-T. GRCh37 (hg19) VCF-style: chr10-95556938-G-T.
Other names: c.908G>T, p.Ser303Ile (NM_001308276.2); c.839-568G>T (NM_001308275.2); short protein forms S303I, S351I.
Identifiers: ClinVar variation 1501490 (VCV001501490.6), dbSNP rs2134026390, ClinGen allele CA377627295.